The following is an entry in ClinVar:

NM_005902.4(SMAD3):c.591C>T (p.Asn197=)

Gene: SMAD3 (SMAD family member 3; plus strand). Cytogenetic location: 15q22.33.
Variant type: single nucleotide variant.
Coding change: c.591C>T on transcript NM_005902.4 (MANE Select); coding-DNA position 591, C replaced by T.
Protein change: p.Asn197=; no amino-acid change (asparagine 197 retained).
Molecular consequence: synonymous variant.
Genome position (GRCh38, 1-based): chr15:67,166,837, C>T. VCF-style: chr15-67166837-C-T. GRCh37 (hg19) VCF-style: chr15-67459175-C-T.
Other names: c.276C>T, p.Asn92= (NM_001145102.2); c.459C>T, p.Asn153= (NM_001145103.2); c.6C>T, p.Asn2= (NM_001145104.2).
Identifiers: ClinVar variation 1231492 (VCV001231492.4), dbSNP rs2140296869, ClinGen allele CA490912019.

ClinVar aggregate classification (germline): Likely benign. Review status: criteria provided, multiple submitters, no conflicts (2 of 4 stars). 2 submissions from 2 submitters: Likely benign (2). Last evaluated 2023-12-13.

Conditions:
Aneurysm-osteoarthritis syndrome. Also called: SMAD3-Related Loeys-Dietz Syndrome; ANEURYSMS-OSTEOARTHRITIS SYNDROME; Loeys-Dietz syndrome, type 1C; LOEYS-DIETZ SYNDROME WITH OSTEOARTHRITIS. Identifiers: Orphanet 284984, MedGen C3151087, MONDO:0013426, OMIM 613795.

Allele frequency attached by ClinVar (database versions not stated): gnomAD exomes below 0.00001.
gnomAD v4.1: 3 of 1,594,368 alleles (0.00019%); highest among the groups gnomAD compares: Non-Finnish European, 0.00026%; no homozygotes.

Submissions (2):

All of Us Research Program, National Institutes of Health
Classification: Likely benign for Aneurysm-osteoarthritis syndrome. Last evaluated: 2023-12-13. Review status: criteria provided, single submitter. Criteria: ACMG Guidelines, 2015. Collection method: clinical testing. Allele origin: germline. Inheritance: Autosomal dominant inheritance. Observed: 1 variant allele, 1 heterozygote.
Comment: This study involves interpretation of variants in research participants for the purpose of population health screening. Participant phenotype was not available at the time of variant classification. Additional details can be found in publication PMID: 35346344, PMCID: PMC8962531

GeneDx
Classification: Likely benign. Last evaluated: 2019-12-02. Review status: criteria provided, single submitter. Criteria: GeneDx Variant Classification Process June 2021. Collection method: clinical testing. Allele origin: germline. Affected: yes.